The following is an entry in ClinVar:

NC_000015.9:g.(?_40993242)_(40993419_?)del

Gene: RAD51 (RAD51 recombinase; plus strand). Cytogenetic location: 15q15.1.
Variant type: Deletion.
Identifiers: ClinVar variation 2424552 (VCV002424552.4).

ClinVar aggregate classification (germline): Uncertain significance (1 of 4 stars; one submission).

Submission:

Labcorp Genetics (formerly Invitae), Labcorp
Classification: Uncertain significance. Last evaluated: 2023-08-10. Review status: criteria provided, single submitter. Criteria: Invitae Variant Classification Sherloc (09022015). Collection method: clinical testing. Allele origin: germline.
Comment: This variant has not been reported in the literature in individuals affected with RAD51-related conditions. This variant is a gross deletion of the genomic region encompassing exon(s) 3 of the RAD51 gene. This variant would be expected to be in-frame, preserving the integrity of the reading frame. A similar copy number variant has been observed in at least one individual who was not affected with RAD51-related conditions (Invitae). Experimental studies and prediction algorithms are not available or were not evaluated, and the functional significance of this variant is currently unknown. In summary, the available evidence is currently insufficient to determine the role of this variant in disease. Therefore, it has been classified as a Variant of Uncertain Significance.